The following is an entry in ClinVar:

ClinVar aggregate classification (germline): Likely pathogenic (1 of 4 stars; one submission).

Submission:

GeneDx
Classification: Likely pathogenic. Last evaluated: 2024-03-25. Review status: criteria provided, single submitter. Criteria: GeneDx Variant Classification Process June 2021. Collection method: clinical testing. Allele origin: germline. Affected: yes.
Comment: Reported previously as a probably pathogenic variant in a proband with corticobasal syndrome whose father was also affected; however, segregation analysis was not performed (PMID: 18234697); Published functional studies suggest a damaging effect as mRNA expression is significantly reduced compared to wildtype (PMID: 28285794); In silico analysis supports a deleterious effect on splicing.; In silico analysis supports that this missense variant does not alter protein structure/function; Not observed at significant frequency in large population cohorts (gnomAD); This variant is associated with the following publications: (PMID: 26652843, 28285794, 18234697)

NM_002087.4(GRN):c.596C>T (p.Ala199Val)

Gene: GRN (granulin precursor; plus strand). Cytogenetic location: 17q21.31.
Variant type: single nucleotide variant.
Coding change: c.596C>T on transcript NM_002087.4 (MANE Select); coding-DNA position 596, C replaced by T.
Protein change: p.Ala199Val; replaces alanine 199 with valine.
Molecular consequence: missense variant.
Genome position (GRCh38, 1-based): chr17:44,350,575, C>T. VCF-style: chr17-44350575-C-T. GRCh37 (hg19) VCF-style: chr17-42427943-C-T.
Other names: short protein forms A199V.
Identifiers: ClinVar variation 3342439 (VCV003342439.1).